The following is an entry in ClinVar:

ClinVar aggregate classification (germline): Benign. Review status: criteria provided, multiple submitters, no conflicts (2 of 4 stars). 20 submissions from 11 submitters: Benign (17). 3 of the submissions do not count toward it. Last evaluated 2026-02-04.

Conditions:
Vitelliform macular dystrophy 3 (VMD3). Also called: PRPH2 vitelliform macular dystrophy; vitelliform macular dystrophy caused by mutation in PRPH2. Identifiers: MedGen CN295869, MONDO:0024561, OMIM 608161.
PRPH2-related disorder. Also called: PRPH2-related disorders; PRPH2-related condition. Identifiers: MedGen CN239395.
Retinal dystrophy. Also called: Inherited retinal dystrophy. Identifiers: Orphanet 71862, MedGen C0854723, MeSH D058499, MONDO:0019118, HP:0000556.
Retinitis pigmentosa (RP). Identifiers: Orphanet 791, MedGen C0035334, MeSH D012174, MONDO:0019200, OMIM 268000. Inheritance: Autosomal dominant, autosomal recessive and X linked inheritance.
Patterned macular dystrophy 1. Also called: BUTTERFLY DYSTROPHY OF RETINAL PIGMENT EPITHELIUM; MACULAR DYSTROPHY, BUTTERFLY-SHAPED PIGMENTARY. Identifiers: Orphanet 99001, MedGen C4551999, MONDO:0008210, OMIM 169150.
Retinitis pigmentosa 7 (RP7). Identifiers: Orphanet 791, MedGen C1842475, MONDO:0011974, OMIM 608133.
Pigmentary retinal dystrophy. Also called: Fundus albipunctatus. Identifiers: Orphanet 227796, Orphanet 52427, MedGen C0311338, MONDO:0007639, OMIM 136880, HP:0030642.
Choroidal dystrophy, central areolar 2 (CACD2). Also called: Choriodal Dystrophy, Central Areolar 2; MACULAR DYSTROPHY, PROGRESSIVE. Identifiers: Orphanet 75377, MedGen C2751290, MONDO:0013137, OMIM 613105.
Cone-rod dystrophy. Also called: Cone/cone-rod dystrophy; Cone-rod degeneration. Identifiers: Orphanet 1872, MedGen C4085590, MONDO:0015993, HP:0000548.
Adult-onset foveomacular vitelliform dystrophy. Also called: FOVEOMACULAR DYSTROPHY, ADULT-ONSET, WITH OR WITHOUT CHOROIDAL NEOVASCULARIZATION; Adult onset vitelliform dystrophy; FOVEOMACULAR DYSTROPHY, ADULT-ONSET. Identifiers: Orphanet 99000, MedGen C1842914, MONDO:0011979.

Allele frequency attached by ClinVar (database versions not stated): gnomAD 0.77333 and 0.77412; 1000 Genomes Project 0.75739; ESP Exome Variant Server 0.77680; ExAC 0.77898; gnomAD exomes 0.78959 and 0.77607; 1000 Genomes Project 30x 0.75453; TOPMed 0.76833.
gnomAD v4.1: 1,271,636 of 1,613,846 alleles (79%); highest among the groups gnomAD compares: East Asian, 85%; 502,174 homozygotes.

Submissions (20):

Labcorp Genetics (formerly Invitae), Labcorp
Classification: Benign for PRPH2-related disorder. Last evaluated: 2026-02-04. Review status: criteria provided, single submitter. Criteria: Invitae Variant Classification Sherloc (09022015). Collection method: clinical testing. Allele origin: germline.

Blueprint Genetics
Classification: Benign. Last evaluated: 2024-11-27. Review status: criteria provided, single submitter. Criteria: ACMG Guidelines, 2015. Collection method: clinical testing. Allele origin: germline.

Dept Of Ophthalmology, Nagoya University
Classification: Benign for Retinal dystrophy. Last evaluated: 2023-10-01. Review status: criteria provided, single submitter. Criteria: Submitter's publication. Collection method: research. Allele origin: germline. Affected: yes.

Genome-Nilou Lab
Classification: Benign for Choroidal dystrophy, central areolar 2. Last evaluated: 2021-10-25. Review status: criteria provided, single submitter. Criteria: ACMG Guidelines, 2015. Collection method: clinical testing. Allele origin: germline. Affected: no.

Genome-Nilou Lab
Classification: Benign for Retinitis pigmentosa 7. Last evaluated: 2021-10-25. Review status: criteria provided, single submitter. Criteria: ACMG Guidelines, 2015. Collection method: clinical testing. Allele origin: germline. Affected: no.

Genome-Nilou Lab
Classification: Benign for Patterned macular dystrophy 1. Last evaluated: 2021-10-25. Review status: criteria provided, single submitter. Criteria: ACMG Guidelines, 2015. Collection method: clinical testing. Allele origin: germline. Affected: no.

Genome-Nilou Lab
Classification: Benign for Vitelliform macular dystrophy 3. Last evaluated: 2021-10-25. Review status: criteria provided, single submitter. Criteria: ACMG Guidelines, 2015. Collection method: clinical testing. Allele origin: germline. Affected: no.

Genome-Nilou Lab
Classification: Benign for Pigmentary retinal dystrophy. Last evaluated: 2021-10-25. Review status: criteria provided, single submitter. Criteria: ACMG Guidelines, 2015. Collection method: clinical testing. Allele origin: germline. Affected: no.

Illumina Laboratory Services, Illumina
Classification: Benign for Choroidal dystrophy, central areolar 2. Last evaluated: 2018-01-13. Review status: criteria provided, single submitter. Criteria: ICSL Variant Classification Criteria 13 December 2019. Collection method: clinical testing. Allele origin: germline.
Comment: This variant was observed in the ICSL laboratory as part of a predisposition screen in an ostensibly healthy population. It had not been previously curated by ICSL or reported in the Human Gene Mutation Database (HGMD: prior to June 1st, 2018), and was therefore a candidate for classification through an automated scoring system. Utilizing variant allele frequency, disease prevalence and penetrance estimates, and inheritance mode, an automated score was calculated to assess if this variant is too frequent to cause the disease. Based on the score and internal cut-off values, a variant classified as benign is not then subjected to further curation. The score for this variant resulted in a classification of benign for this disease.

Illumina Laboratory Services, Illumina
Classification: Benign for Vitelliform macular dystrophy 3. Last evaluated: 2018-01-13. Review status: criteria provided, single submitter. Criteria: ICSL Variant Classification Criteria 13 December 2019. Collection method: clinical testing. Allele origin: germline.
Comment: the same text as in the submission from Illumina Laboratory Services, Illumina above.

Illumina Laboratory Services, Illumina
Classification: Benign for Patterned macular dystrophy 1. Last evaluated: 2018-01-13. Review status: criteria provided, single submitter. Criteria: ICSL Variant Classification Criteria 13 December 2019. Collection method: clinical testing. Allele origin: germline.
Comment: the same text as in the submission from Illumina Laboratory Services, Illumina above.

Illumina Laboratory Services, Illumina
Classification: Benign for Retinitis pigmentosa. Last evaluated: 2018-01-13. Review status: criteria provided, single submitter. Criteria: ICSL Variant Classification Criteria 13 December 2019. Collection method: clinical testing. Allele origin: germline.
Comment: the same text as in the submission from Illumina Laboratory Services, Illumina above.

Illumina Laboratory Services, Illumina
Classification: Benign for Pigmentary retinal dystrophy. Last evaluated: 2018-01-13. Review status: criteria provided, single submitter. Criteria: ICSL Variant Classification Criteria 13 December 2019. Collection method: clinical testing. Allele origin: germline.
Comment: the same text as in the submission from Illumina Laboratory Services, Illumina above.

Illumina Laboratory Services, Illumina
Classification: Benign for Cone-rod dystrophy. Last evaluated: 2018-01-13. Review status: criteria provided, single submitter. Criteria: ICSL Variant Classification Criteria 13 December 2019. Collection method: clinical testing. Allele origin: germline.
Comment: the same text as in the submission from Illumina Laboratory Services, Illumina above.

Eurofins Ntd Llc (ga)
Classification: Benign. Last evaluated: 2014-04-28. Review status: criteria provided, single submitter. Criteria: EGL Classification Definitions 2015. Collection method: clinical testing. Allele origin: germline. Observed: 3 variant alleles, 1 heterozygote, 2 homozygotes.

GeneDx
Classification: Benign. Last evaluated: 2011-06-28. Review status: criteria provided, single submitter. Criteria: GeneDx Variant Classification (06012015). Collection method: clinical testing. Allele origin: germline. Affected: yes.
Comment: This variant is considered likely benign or benign based on one or more of the following criteria: it is a conservative change, it occurs at a poorly conserved position in the protein, it is predicted to be benign by multiple in silico algorithms, and/or has population frequency not consistent with disease.

PreventionGenetics, part of Exact Sciences
Classification: Benign. Review status: criteria provided, single submitter. Criteria: ACMG Guidelines, 2015. Collection method: clinical testing. Allele origin: germline.

Clinical Genetics DNA and cytogenetics Diagnostics Lab, Erasmus MC, Erasmus Medical Center
Classification: Benign. Review status: no assertion criteria provided. Collection method: clinical testing. Allele origin: germline. Affected: yes. Study: VKGL Data-share Consensus. Not counted in ClinVar's aggregate classification.

Department of Ophthalmology and Visual Sciences Kyoto University
Classification: Likely benign. Review status: no assertion criteria provided. Collection method: not provided. Allele origin: unknown. Not counted in ClinVar's aggregate classification.
ClinVar note: Converted during submission from probable-non-pathogenic to Likely benign.

Diagnostic Laboratory, Department of Genetics, University Medical Center Groningen
Classification: Benign. Review status: no assertion criteria provided. Collection method: clinical testing. Allele origin: germline. Affected: yes. Study: VKGL Data-share Consensus. Not counted in ClinVar's aggregate classification.

NM_000322.5(PRPH2):c.1013A>G (p.Asp338Gly)

Gene: PRPH2 (peripherin 2; minus strand). Cytogenetic location: 6p21.1.
Variant type: single nucleotide variant.
Coding change: c.1013A>G on transcript NM_000322.5 (MANE Select); coding-DNA position 1013, A replaced by G.
Protein change: p.Asp338Gly; replaces aspartic acid 338 with glycine.
Molecular consequence: missense variant.
Genome position (GRCh38, 1-based): chr6:42,698,323, T>C on the plus strand (A>G on the coding strand, the complement: PRPH2 is on the minus strand). VCF-style: chr6-42698323-T-C. GRCh37 (hg19) VCF-style: chr6-42666061-T-C.
Other names: p.D338G:GAC>GGC; short protein forms D338G.
Identifiers: ClinVar variation 138906 (VCV000138906.26), dbSNP rs434102, ClinGen allele CA180347.